The following is an entry in ClinVar:

NM_015896.4(ZMYND10):c.202G>A (p.Val68Ile)

Gene: ZMYND10 (zinc finger MYND-type containing 10; minus strand). Cytogenetic location: 3p21.31.
Variant type: single nucleotide variant.
Coding change: c.202G>A on transcript NM_015896.4 (MANE Select); coding-DNA position 202, G replaced by A.
Protein change: p.Val68Ile; replaces valine 68 with isoleucine.
Molecular consequence: missense variant.
Genome position (GRCh38, 1-based): chr3:50,343,850, C>T on the plus strand (G>A on the coding strand, the complement: ZMYND10 is on the minus strand). VCF-style: chr3-50343850-C-T. GRCh37 (hg19) VCF-style: chr3-50381281-C-T.
Other names: c.202G>A, p.Val68Ile (NM_001308379.2); short protein forms V68I.
Identifiers: ClinVar variation 3671986 (VCV003671986.2).

ClinVar aggregate classification (germline): Uncertain significance (1 of 4 stars; one submission).

Conditions:
Primary ciliary dyskinesia. Also called: Ciliary dyskinesia. Identifiers: Orphanet 244, MedGen C0008780, MONDO:0016575, HP:0012265.

Submission:

Labcorp Genetics (formerly Invitae), Labcorp
Classification: Uncertain significance for Primary ciliary dyskinesia. Last evaluated: 2024-08-08. Review status: criteria provided, single submitter. Criteria: Invitae Variant Classification Sherloc (09022015). Collection method: clinical testing. Allele origin: germline.
Comment: This sequence change replaces valine, which is neutral and non-polar, with isoleucine, which is neutral and non-polar, at codon 68 of the ZMYND10 protein (p.Val68Ile). This variant is present in population databases (no rsID available, gnomAD 0.0009%). This variant has not been reported in the literature in individuals affected with ZMYND10-related conditions. An algorithm developed to predict the effect of missense changes on protein structure and function outputs the following: PolyPhen-2: "Benign". The isoleucine amino acid residue is found in multiple mammalian species, which suggests that this missense change does not adversely affect protein function. In summary, the available evidence is currently insufficient to determine the role of this variant in disease. Therefore, it has been classified as a Variant of Uncertain Significance.